The following is an entry in ClinVar:

NM_152564.5(VPS13B):c.5167_5168delinsTC (p.Gln1723Ser)

Gene: VPS13B (vacuolar protein sorting 13 homolog B; plus strand). Cytogenetic location: 8q22.2.
Variant type: Indel.
Coding change: c.5167_5168delinsTC on transcript NM_152564.5 (MANE Select); coding-DNA positions 5167 to 5168, CA replaced by TC.
Protein change: p.Gln1723Ser; replaces glutamine 1723 with serine.
Molecular consequence: missense variant.
Genome position (GRCh38, 1-based): chr8:99,577,580-99,577,581, CA replaced by TC. VCF-style: chr8-99577580-CA-TC. GRCh37 (hg19) VCF-style: chr8-100589808-CA-TC.
Other names: c.5242_5243delCAinsTC, p.Gln1748Ser (NM_017890.4); c.5242_5243delinsTC, p.Gln1748Ser (NM_017890.5); short protein forms Q1723S, Q1748S.
Identifiers: ClinVar variation 2506032 (VCV002506032.3), dbSNP rs2490910493, ClinGen allele CA2580617207.
Genomic context (GRCh38, chr8:99,577,580, plus strand): 5'-GTGAATATAACCACAAACCTGGACTTCTTCCTAAGTGTGGCTCAAGTTCAACTCTTACAT[CA>TC]GTTAATAGTAGCAAATATGACTGGACTGGAACCATCAAACAAGGCTGCAGAGGTAACTGT-3'
Protein context (NP_689777.3, residues 1713-1733): LSVAQVQLLH[Gln1723Ser]LIVANMTGLE

ClinVar aggregate classification (germline): Uncertain significance. Review status: criteria provided, multiple submitters, no conflicts (2 of 4 stars). 2 submissions from 2 submitters: Uncertain significance (2). Last evaluated 2024-02-23.

Conditions:
Cohen syndrome (COH1). Also called: PEPPER SYNDROME; Cutis verticis gyrata, retinitis pigmentosa, and sensorineural deafness. Identifiers: Orphanet 193, MedGen C0265223, MONDO:0008999, OMIM 216550.

Submissions (2):

Labcorp Genetics (formerly Invitae), Labcorp
Classification: Uncertain significance for Cohen syndrome. Last evaluated: 2024-02-23. Review status: criteria provided, single submitter. Criteria: Invitae Variant Classification Sherloc (09022015). Collection method: clinical testing. Allele origin: germline.
Comment: This sequence change replaces glutamine, which is neutral and polar, with serine, which is neutral and polar, at codon 1748 of the VPS13B protein (p.Gln1748Ser). This variant is present in population databases (no rsID available, gnomAD 0.0008%). This variant has not been reported in the literature in individuals affected with VPS13B-related conditions. ClinVar contains an entry for this variant (Variation ID: 2506032). An algorithm developed to predict the effect of missense changes on protein structure and function (PolyPhen-2) suggests that this variant is likely to be tolerated. In summary, the available evidence is currently insufficient to determine the role of this variant in disease. Therefore, it has been classified as a Variant of Uncertain Significance.

Women's Health and Genetics/Laboratory Corporation of America, LabCorp
Classification: Uncertain significance. Last evaluated: 2023-05-07. Review status: criteria provided, single submitter. Criteria: LabCorp Variant Classification Summary - May 2015. Collection method: clinical testing. Allele origin: germline.
Comment: Variant summary: VPS13B c.5242_5243delinsTC (p.Gln1748Ser) results in a non-conservative amino acid change in the encoded protein sequence. Three of four in-silico tools predict a damaging effect of the variant on protein function. The variant allele was found at a frequency of 8e-06 in 251270 control chromosomes (gnomAD). The available data on variant occurrences in the general population are insufficient to allow any conclusion about variant significance. To our knowledge, no occurrence of c.5242_5243delinsTC in individuals affected with Cohen Syndrome and no experimental evidence demonstrating its impact on protein function have been reported. No clinical diagnostic laboratories have submitted clinical-significance assessments for this variant to ClinVar after 2014. Based on the evidence outlined above, the variant was classified as uncertain significance.